The following is an entry in ClinVar:

NM_016042.4(EXOSC3):c.35T>C (p.Leu12Pro)

Gene: EXOSC3 (exosome component 3; minus strand). Cytogenetic location: 9p13.2.
Variant type: single nucleotide variant.
Coding change: c.35T>C on transcript NM_016042.4 (MANE Select); coding-DNA position 35, T replaced by C.
Protein change: p.Leu12Pro; replaces leucine 12 with proline.
Molecular consequence: missense variant.
Genome position (GRCh38, 1-based): chr9:37,785,010, A>G on the plus strand (T>C on the coding strand, the complement: EXOSC3 is on the minus strand). VCF-style: chr9-37785010-A-G. GRCh37 (hg19) VCF-style: chr9-37785007-A-G.
Other names: c.35T>C, p.Leu12Pro (NM_001002269.2); short protein forms L12P.
Identifiers: ClinVar variation 1803355 (VCV001803355.1), dbSNP rs1447275667, ClinGen allele CA373476173.

ClinVar aggregate classification (germline): Uncertain significance (1 of 4 stars; one submission).

Allele frequency attached by ClinVar (database versions not stated): gnomAD exomes below 0.00001; TOPMed 0.00001.
gnomAD v4.1: 1 of 1,604,316 alleles (0.000062%); highest among the groups gnomAD compares: East Asian, 0.0022%; no homozygotes.

Submission:

GeneDx
Classification: Uncertain significance. Last evaluated: 2022-06-06. Review status: criteria provided, single submitter. Criteria: GeneDx Variant Classification Process June 2021. Collection method: clinical testing. Allele origin: germline. Affected: yes.
Comment: Not observed at significant frequency in large population cohorts (gnomAD); In silico analysis supports that this missense variant does not alter protein structure/function; Has not been previously published as pathogenic or benign to our knowledge